The following is an entry in ClinVar:

NM_001018005.2(TPM1):c.20_26dup (p.Met10fs)

Gene: TPM1 (tropomyosin 1; plus strand). Cytogenetic location: 15q22.2.
Variant type: Duplication.
Coding change: c.20_26dup on transcript NM_001018005.2 (MANE Select); coding-DNA positions 20 to 26, 7 bases duplicated (AGATGCA; older notation c.20_26dupAGATGCA).
Protein change: p.Met10fs; shifts the reading frame from methionine 10.
Molecular consequence: frameshift variant.
Genome position (GRCh38, 1-based): chr15:63,042,849-63,042,855, AGATGCA duplicated; duplicating any 7 consecutive bases within chr15:63,042,848-63,042,855 gives the same sequence; the c. name uses the placement nearest the transcript's 3' end. VCF-style (leftmost placement, unchanged base first): chr15-63042847-G-GAAGATGC. GRCh37 (hg19) VCF-style: chr15-63335046-G-GAAGATGC.
Other names: c.20_26dup, p.Met10fs (NM_000366.6, NM_001018004.2, NM_001018006.2 and 7 more transcripts); short protein forms M10fs.
Identifiers: ClinVar variation 923038 (VCV000923038.3), dbSNP rs2031422919, ClinGen allele CA1139664023.

ClinVar aggregate classification (germline): Uncertain significance (1 of 4 stars; one submission).

Conditions:
Cardiomyopathy (CMYO). Also called: Cardiomyopathies. Identifiers: Orphanet 167848, MedGen C0878544, MONDO:0004994, HP:0001638. Inheritance: Various modes of inheritance.

Submission:

Color Diagnostics, LLC DBA Color Health
Classification: Uncertain significance for Cardiomyopathy. Last evaluated: 2020-01-21. Review status: criteria provided, single submitter. Criteria: ACMG Guidelines, 2015. Collection method: clinical testing. Allele origin: germline.
Comment: This variant duplicates 7 nucleotides in exon 1 of the TPM1 gene, creating a frameshift and premature translation stop signal. This variant is expected to result in an absent or non-functional protein product. To our knowledge, this variant has not been reported in individuals affected with cardiovascular disorders in the literature. This variant has not been identified in the general population by the Genome Aggregation Database (gnomAD). Disease-causing variants in TPM1 are mostly missense variants that act in a dominant-negative manner. The role of TPM1 truncation variants in cardiomyopathy is not clearly established. The available evidence is insufficient to determine the role of this variant in disease conclusively. Therefore, this variant is classified as a Variant of Uncertain Significance.